The following is an entry in ClinVar:

NM_015937.6(PIGT):c.411C>G (p.Ile137Met)

Gene: PIGT (phosphatidylinositol glycan anchor biosynthesis class T; plus strand). Cytogenetic location: 20q13.12.
Variant type: single nucleotide variant.
Coding change: c.411C>G on transcript NM_015937.6 (MANE Select); coding-DNA position 411, C replaced by G.
Protein change: p.Ile137Met; replaces isoleucine 137 with methionine.
Molecular consequence: missense variant. On other transcripts: non-coding transcript variant (3), intron variant (2).
Genome position (GRCh38, 1-based): chr20:45,418,897, C>G. VCF-style: chr20-45418897-C-G. GRCh37 (hg19) VCF-style: chr20-44047537-C-G.
Other names: c.411C>G, p.Ile137Met (NM_001184729.3); c.326-398C>G (NM_001184728.3); c.188-398C>G (NM_001184730.3); short protein forms I137M.
Identifiers: ClinVar variation 2571863 (VCV002571863.5), dbSNP rs976771346, ClinGen allele CA315572795.
Genomic context (GRCh38, chr20:45,418,897, plus strand): 5'-TGTGTCTCTATCCAGTGTGGATAAATCTTGGAAGGAGCTCAGTAATGTCCTCTCAGGGAT[C>G]TTCTGCGCCTCTCTCAACTTCATCGACTCCACCAACACAGTCACTCCCACTGCCTCCTTC-3'
Protein context (NP_057021.2, residues 127-147): WKELSNVLSG[Ile137Met]FCASLNFIDS

ClinVar aggregate classification (germline): Uncertain significance (1 of 4 stars; one submission).

Allele frequency attached by ClinVar (database versions not stated): TOPMed 0.00003; gnomAD 0.00001.
gnomAD v4.1: 4 of 1,613,860 alleles (0.00025%); highest among the groups gnomAD compares: African/African-American, 0.0053%; no homozygotes.

Submission:

GeneDx
Classification: Uncertain significance. Last evaluated: 2026-10-01. Review status: criteria provided, single submitter. Criteria: GeneDx Variant Classification Process June 2021. Collection method: clinical testing. Allele origin: germline.
Comment: Not observed at significant frequency in large population cohorts (gnomAD); In silico analysis suggests that this missense variant does not alter protein structure/function; Has not been previously published as pathogenic or benign to our knowledge